The following is an entry in ClinVar:

NM_001278116.2(L1CAM):c.2168G>A (p.Gly723Glu)

Gene: L1CAM (L1 cell adhesion molecule; minus strand). Cytogenetic location: Xq28.
Variant type: single nucleotide variant.
Coding change: c.2168G>A on transcript NM_001278116.2 (MANE Select); coding-DNA position 2168, G replaced by A.
Protein change: p.Gly723Glu; replaces glycine 723 with glutamic acid.
Molecular consequence: missense variant.
Genome position (GRCh38, 1-based): chrX:153,867,094, C>T on the plus strand (G>A on the coding strand, the complement: L1CAM is on the minus strand). VCF-style: chrX-153867094-C-T. GRCh37 (hg19) VCF-style: chrX-153132549-C-T.
Other names: c.2168G>A (NM_000425.3); c.2168G>A, p.Gly723Glu (NM_000425.5, NM_024003.3); c.2153G>A, p.Gly718Glu (NM_001143963.2); short protein forms G723E, G718E.
Identifiers: ClinVar variation 3636363 (VCV003636363.3).

ClinVar aggregate classification (germline): Uncertain significance. Review status: criteria provided, multiple submitters, no conflicts (2 of 4 stars). 2 submissions from 2 submitters: Uncertain significance (2). Last evaluated 2025-02-05.

Conditions:
Spastic paraplegia. Identifiers: MedGen C0037772, HP:0001258.

Submissions (2):

Labcorp Genetics (formerly Invitae), Labcorp
Classification: Uncertain significance for Spastic paraplegia. Last evaluated: 2025-02-05. Review status: criteria provided, single submitter. Criteria: Invitae Variant Classification Sherloc (09022015). Collection method: clinical testing. Allele origin: germline.
Comment: This sequence change replaces glycine, which is neutral and non-polar, with glutamic acid, which is acidic and polar, at codon 723 of the L1CAM protein (p.Gly723Glu). This variant is not present in population databases (gnomAD no frequency). This variant has not been reported in the literature in individuals affected with L1CAM-related conditions. Invitae Evidence Modeling of protein sequence and biophysical properties (such as structural, functional, and spatial information, amino acid conservation, physicochemical variation, residue mobility, and thermodynamic stability) has been performed for this missense variant. However, the output from this modeling did not meet the statistical confidence thresholds required to predict the impact of this variant on L1CAM protein function. In summary, the available evidence is currently insufficient to determine the role of this variant in disease. Therefore, it has been classified as a Variant of Uncertain Significance.

GeneDx
Classification: Uncertain significance. Last evaluated: 2024-09-27. Review status: criteria provided, single submitter. Criteria: GeneDx Variant Classification Process June 2021. Collection method: clinical testing. Allele origin: germline. Affected: yes.
Comment: Not observed at significant frequency in large population cohorts (gnomAD); In silico analysis supports that this missense variant has a deleterious effect on protein structure/function; Has not been previously published as pathogenic or benign to our knowledge; This variant is associated with the following publications: (PMID: 25641508)